The following is an entry in ClinVar:

NM_000540.3(RYR1):c.14918C>T (p.Pro4973Leu)

Gene: RYR1 (ryanodine receptor 1; plus strand). Cytogenetic location: 19q13.2.
Variant type: single nucleotide variant.
Coding change: c.14918C>T on transcript NM_000540.3 (MANE Select); coding-DNA position 14918, C replaced by T.
Protein change: p.Pro4973Leu; replaces proline 4973 with leucine.
Molecular consequence: missense variant.
Genome position (GRCh38, 1-based): chr19:38,586,140, C>T. VCF-style: chr19-38586140-C-T. GRCh37 (hg19) VCF-style: chr19-39076780-C-T.
Other names: NM_000540.2(RYR1):c.14918C>T(p.Pro4973Leu); NM_001042723.1(RYR1):c.14903C>T(p.Pro4968Leu); NM_000540.3(RYR1):c.14918C>T; c.14903C>T, p.Pro4968Leu (NM_001042723.2); short protein forms P4973L, P4968L.
Identifiers: ClinVar variation 133098 (VCV000133098.91), dbSNP rs146876145, ClinGen allele CA024276.

ClinVar aggregate classification (germline): Pathogenic/Likely pathogenic. Review status: reviewed by expert panel (3 of 4 stars). 25 submissions from 25 submitters: Pathogenic (1); Likely pathogenic (1). 23 of the submissions do not count toward it. Last evaluated 2026-04-10.

Conditions:
RYR1-related myopathy. Identifiers: Orphanet 98742, MedGen CN305348, MONDO:0100150.
Congenital multicore myopathy with external ophthalmoplegia (CMYO1B). Also called: Congenital myopathy 1B, autosomal recessive; Minicore myopathy; MULTICORE MYOPATHY; MULTIMINICORE DISEASE WITH EXTERNAL OPHTHALMOPLEGIA; Minicore myopathy with external ophthalmoplegia. Identifiers: Orphanet 598, Orphanet 98905, MedGen C1850674, MONDO:0009712, OMIM 255320, HP:0003789.
Central core myopathy (CMYO1A). Also called: CONGENITAL MYOPATHY 1A, AUTOSOMAL DOMINANT, WITH SUSCEPTIBILITY TO MALIGNANT HYPERTHERMIA; Central core disease; Myopathy, central fibrillar. Identifiers: Orphanet 597, MedGen C5830701, MONDO:0007294, OMIM 117000.
King Denborough syndrome (KDS). Identifiers: MedGen C1840365, MONDO:0020485, OMIM 619542.
Malignant hyperthermia, susceptibility to, 1 (MHS1). Also called: Malignant hyperthermia suceptibility 1; Anesthesia related hyperthermia; Malignant hyperpyrexia; Fulminating hyperpyrexia; Pharmacogenic myopathy; RYR1-Related Malignant Hyperthermia Susceptibility. Identifiers: Orphanet 423, MedGen C2930980, MONDO:0007783, OMIM 145600.
RYR1-related disorder. Also called: RYR1-related disorders; RYR1-related condition. Identifiers: MedGen CN239331.
Inborn genetic diseases. Identifiers: MedGen C0950123, MeSH D030342.
Malignant hyperthermia of anesthesia. Also called: Anesthesic-triggered malignant hyperthermia. Identifiers: Orphanet 423, MedGen C0024591, MONDO:0018493, HP:0034733.

Allele frequency attached by ClinVar (database versions not stated): gnomAD 0.00002 and 0.00003; TOPMed 0.00002; gnomAD exomes 0.00003; ExAC 0.00004; ESP Exome Variant Server 0.00015.
gnomAD v4.1: 44 of 1,613,976 alleles (0.0027%); highest among the groups gnomAD compares: Admixed American, 0.005%; no homozygotes.

Submissions 1 to 5 of 25:

ClinGen Malignant Hyperthermia Susceptibility Variant Curation Expert Panel, ClinGen
Classification: Pathogenic for Malignant hyperthermia, susceptibility to, 1. Last evaluated: 2026-04-10. Review status: reviewed by expert panel. Criteria: ClinGen MHS ACMG Specifications V2. Collection method: curation. Allele origin: germline. Inheritance: Autosomal dominant inheritance.
Comment: This pathogenicity assessment is relevant only for malignant hyperthermia susceptibility (MHS) inherited in an autosomal dominant pattern. Variants in RYR1 can also cause other myopathies inherited in an autosomal dominant pattern or in an autosomal recessive pattern. Some of these disorders may predispose individuals to malignant hyperthermia. RYR1 variants may also contribute to a malignant hyperthermia reaction in combination with other genetic and non-genetic factors and the clinician needs to consider such factors in making management decisions. This sequence variant predicts a substitution of proline with leucine at codon 4973 of the RYR1 protein, p.(Pro4973Leu). The maximum allele frequency for this variant among the six major gnomAD populations is AMR: 0.00005, a frequency consistent with pathogenicity for MHS (gnomAD v4.1.0). This variant has been reported in seven unrelated individuals who had a personal or family history of a malignant hyperthermia reaction, all of these individuals had a positive in vitro contracture test (IVCT) or caffeine halothane contracture test (CHCT) result (if the proband was unavailable for testing, a positive diagnostic test result in a variant-positive relative was counted), PS4_Strong (PMID: 30236257, 16163667, 20681998, 34904211, 41153347, 41339169). This variant segregates with MHS in three individuals, PP1 (PMID: 30236257). A functional study assessing store overload-induced calcium release was published for this variant and showed a reduced threshold for spontaneous calcium release compared to the wild-type protein. This assay is not considered a standard assay by the ClinGen RYR1 VCEP for MHS (PMID: 28687594). Functional studies in HEK293 cells showed an increased sensitivity to RYR1 agonists, PS3_Moderate (PMID: 41339169). This variant resides in a region of RYR1 considered to be a hotspot for pathogenic variants that contribute to MHS, PM1_Sup (PMID: 21118704). A REVEL score >0.85 (0.898) supports a pathogenic status for this variant, PP3_Moderate. This variant has been classified as Pathogenic. Criteria implemented: PS3_Moderate, PS4_Strong, PM1_Supporting, PP1, PP3_Moderate.

ClinGen Congenital Myopathies Variant Curation Expert Panel, ClinGen
Classification: Likely pathogenic for RYR1-related myopathy. Last evaluated: 2026-03-09. Review status: reviewed by expert panel. Criteria: ClinGen CongenMyopathy ACMG Specifications RYR1 AR V2.0.0. Collection method: curation. Allele origin: germline. Inheritance: Autosomal recessive inheritance.
Comment: The NM_000540.3 (RYR1) c.14918C>T p.(Pro4973Leu) variant in the RYR1 gene is a missense variant predicted to cause a substitution of proline by leucine at amino acid 4973. The Grpmax Filtering allele frequency highest minor allele frequency in gnomAD v4.1.0 is 0.0022% (0.00002153) from the Admixed American population (no population codes met). The computational predictor REVEL gives a score of 0.898, which is above the threshold of ≥ 0.7, evidence that correlates with impact to RYR1 function (PP3). HEK293 cells expressing the variant results in significantly reduced store overload-induced calcium released when compared to cells expressing wild type RYR1 (PS3_Moderate) (PMID: 28687594). This variant has been identified with a likely pathogenic or pathogenic variant phase unknown or confirmed in trans in three individuals with consistent clinical and histological features of AR RYR1 myopathy, including fetal hypokinesia, external ophthalmoplegia in one, and increased number of fibers with internal nuclei and core like findings. (PMID: 35428369, 36833224, 25957634). This variant has also been identified confirmed in trans with a variant in RYR1 that is pathogenic for Malignant Hyperthermia (Variation ID: 12974) in an infant with arthrogryposis multiplex, scoliosis, severe weakness, respiratory failure, and muscle pathology showing a marked myopathic pattern with eccentric cores (PMID: 29169929) (PM3_Strong). In summary, this variant meets the criteria to be classified as likely pathogenic for autosomal recessive RYR1-related myopathy based on the ACMG/AMP criteria applied, as specified by the ClinGen Congenital Myopathies VCEP: PM3_Strong, PS3_Moderate, PP3. (VCEP specifications version 2.0.0)

GeneDx
Classification: Likely pathogenic. Last evaluated: 2026-10-23. Review status: criteria provided, single submitter. Criteria: GeneDx Variant Classification Process June 2021. Collection method: clinical testing. Allele origin: germline. Not counted in ClinVar's aggregate classification.
Comment: Reported in individuals in multiple unrelated families who were either malignant hyperthermia susceptible or equivocal by contracture testing (PMID: 12208234, 12411788, 16163667); Published functional studies demonstrate this variant reduces the threshold for store overload-induced calcium release (PMID: 28687594); Found to be on the same chromosome (in cis) as another RYR1 variant and in trans with a third RYR1 variant in an individual with centronuclear myopathy (PMID: 25957634); In silico analysis supports that this missense variant has a deleterious effect on protein structure/function; Not observed at significant frequency in large population cohorts (gnomAD); This variant is associated with the following publications: (PMID: 23558838, 20681998, 28008009, 30236257, 25637381, 12411788, 16163667, 33087929, 31447099, 32528171, 34008892, 34904211, 35428369, 37919205, 35980353, 12208234, 35414440, 37510298, 29169929, 36833224, 40571342, 41339169, 33767344, 41153347, 41009941, 25957634, 28687594)

Ambry Genetics
Classification: Likely pathogenic for Inborn genetic diseases. Last evaluated: 2026-03-12. Review status: criteria provided, single submitter. Criteria: Ambry Variant Classification Scheme 2023. Collection method: clinical testing. Allele origin: germline. Not counted in ClinVar's aggregate classification.
Comment: The c.14918C>T (p.P4973L) alteration is located in exon 104 (coding exon 104) of the RYR1 gene. This alteration results from a C to T substitution at nucleotide position 14918, causing the proline (P) at amino acid position 4973 to be replaced by a leucine (L). Based on data from gnomAD, the T allele has an overall frequency of 0.003% (7/251392) total alleles studied. The highest observed frequency was 0.009% (3/34586) of Latino alleles. This variant was reported in multiple individuals and families with a clinical reaction suggestive of malignant hyperthermia (MH), MH susceptibility confirmed by IVCT, and/or a family member with one or both of these clinical findings (Galli, 2002; Monnier, 2002; Miller, 2018; Andrade, 2022; Silva, 2025). This amino acid position is highly conserved in available vertebrate species. This alteration is predicted to be deleterious by in silico analysis. Based on the available evidence, this alteration is classified as likely pathogenic.

Labcorp Genetics (formerly Invitae), Labcorp
Classification: Pathogenic for RYR1-related disorder. Last evaluated: 2026-01-19. Review status: criteria provided, single submitter. Criteria: Invitae Variant Classification Sherloc (09022015). Collection method: clinical testing. Allele origin: germline. Not counted in ClinVar's aggregate classification.
Comment: This sequence change replaces proline, which is neutral and non-polar, with leucine, which is neutral and non-polar, at codon 4973 of the RYR1 protein (p.Pro4973Leu). This variant is present in population databases (rs146876145, gnomAD 0.009%). This missense change has been observed in individual(s) with autosomal dominant malignant hyperthermia susceptibility and/or autosomal recessive RYR1-related myopathy (PMID: 12411788, 25957634, 29169929, 30236257). In at least one individual the data is consistent with being in trans (on the opposite chromosome) from a pathogenic variant. It has also been observed to segregate with disease in related individuals. ClinVar contains an entry for this variant (Variation ID: 133098). Invitae Evidence Modeling of protein sequence and biophysical properties (such as structural, functional, and spatial information, amino acid conservation, physicochemical variation, residue mobility, and thermodynamic stability) indicates that this missense variant is expected to disrupt RYR1 protein function with a positive predictive value of 80%. Experimental studies have shown that this missense change affects RYR1 function (PMID: 28687594). For these reasons, this variant has been classified as Pathogenic.